The following is an entry in ClinVar:

ClinVar aggregate classification (germline): Uncertain significance (1 of 4 stars; one submission).

Conditions:
Hereditary cancer-predisposing syndrome. Also called: Neoplastic Syndromes, Hereditary; Hereditary Cancer Syndrome; Tumor predisposition; Hereditary neoplastic syndrome. Identifiers: Orphanet 140162, MedGen C0027672, MeSH D009386, MONDO:0015356.

Submission:

Ambry Genetics
Classification: Uncertain significance for Hereditary cancer-predisposing syndrome. Last evaluated: 2025-02-02. Review status: criteria provided, single submitter. Criteria: Ambry Variant Classification Scheme 2023. Collection method: clinical testing. Allele origin: germline.
Comment: The p.N283H variant (also known as c.847A>C), located in coding exon 6 of the PTCH1 gene, results from an A to C substitution at nucleotide position 847. The asparagine at codon 283 is replaced by histidine, an amino acid with similar properties. This amino acid position is conserved. In addition, this alteration is predicted to be tolerated by in silico analysis. Based on the available evidence, the clinical significance of this variant remains unclear.

NM_000264.5(PTCH1):c.847A>C (p.Asn283His)

Gene: PTCH1 (patched 1; minus strand). Cytogenetic location: 9q22.32.
Variant type: single nucleotide variant.
Coding change: c.847A>C on transcript NM_000264.5 (MANE Select); coding-DNA position 847, A replaced by C.
Protein change: p.Asn283His; replaces asparagine 283 with histidine.
Molecular consequence: missense variant. On other transcripts: non-coding transcript variant (1).
Genome position (GRCh38, 1-based): chr9:95,480,488, T>G on the plus strand (A>C on the coding strand, the complement: PTCH1 is on the minus strand). VCF-style: chr9-95480488-T-G. GRCh37 (hg19) VCF-style: chr9-98242770-T-G.
Other names: c.649A>C, p.Asn217His (NM_001083602.3); c.844A>C, p.Asn282His (NM_001083603.3); c.394A>C, p.Asn132His (NM_001083604.3, NM_001083605.3, NM_001083606.3 and 1 more transcripts); c.847A>C, p.Asn283His (NM_001354918.2); short protein forms N217H, N132H, N282H, N283H.
Identifiers: ClinVar variation 3784654 (VCV003784654.1).
Genomic context (GRCh38, chr9:95,480,488, plus strand): 5'-CTGGATCGGCCGGATTGAGGCAGGGGCGGTCCATGTAACCATGACCAACCTCAGCCTTAT[T>G]CAGCATTTCCTCCCAGCTGTCCACTTGATAGTTTATTTTCTTTAACTCTTCCAGGAATTC-3'
Protein context (NP_000255.2, residues 273-293): YQVDSWEEML[Asn283His]KAEVGHGYMD